The following is an entry in ClinVar:

ClinVar aggregate classification (germline): Likely pathogenic (1 of 4 stars; one submission).

Conditions:
Glycogen storage disease, type II (IOPD). Also called: Pompe Disease; CARDIOMEGALIA GLYCOGENICA DIFFUSA; GLYCOGENOSIS, GENERALIZED, CARDIAC FORM; GSD II; POMPE DISEASE, INFANTILE-ONSET; GLYCOGEN STORAGE DISEASE II, INFANTILE-ONSET. Identifiers: Orphanet 365, MedGen C0017921, MONDO:0009290, OMIM 232300.

Submission:

Genomenon, Inc
Classification: Likely pathogenic for Glycogen storage disease, type II. Last evaluated: 2026-07-01. Review status: criteria provided, single submitter. Criteria: Genomenon Sequence Variant Interpretation Standards - Updated. Collection method: curation. Allele origin: germline. Affected: yes.
Comment: GAA c.2041-2A>C is a canonical splice variant affecting the acceptor splice site of intron 14. It is predicted to affect mRNA splicing, leading to a deleterious effect on the GAA protein. This variant has been observed in at least one proband with a GAA-related disorder in the compound heterozygous and/or homozygous state (PMID:29422078;14695532). A splicing study has demonstrated that this variant results in aberrant splicing, and a functional study demonstrated a substantial alteration in protein function relative to the wild-type (PMID:14695532). It is absent or not present at a significant frequency in gnomAD. In conclusion, we classify GAA c.2041-2A>C as a likely pathogenic variant.

Literature cited by the submitters: PubMed 29422078; PubMed 14695532.

NM_000152.5(GAA):c.2041-2A>C

Gene: GAA (alpha glucosidase; plus strand). Cytogenetic location: 17q25.3.
Variant type: single nucleotide variant.
Coding change: c.2041-2A>C on transcript NM_000152.5 (MANE Select); the canonical splice acceptor site of the intron before coding-DNA position 2041, A replaced by C.
Molecular consequence: splice acceptor variant.
Genome position (GRCh38, 1-based): chr17:80,113,216, A>C. VCF-style: chr17-80113216-A-C. GRCh37 (hg19) VCF-style: chr17-78087015-A-C.
Other names: c.2041-2A>C (NM_001406741.1, NM_001406742.1, NM_001079803.3 and 1 more transcripts).
Identifiers: ClinVar variation 4876353 (VCV004876353.1).